The following is an entry in ClinVar:

NM_000059.4(BRCA2):c.6061C>T (p.His2021Tyr)

Gene: BRCA2 (BRCA2 DNA repair associated; plus strand). Cytogenetic location: 13q13.1.
Variant type: single nucleotide variant.
Coding change: c.6061C>T on transcript NM_000059.4 (MANE Select); coding-DNA position 6061, C replaced by T.
Protein change: p.His2021Tyr; replaces histidine 2021 with tyrosine.
Molecular consequence: missense variant.
Genome position (GRCh38, 1-based): chr13:32,340,416, C>T. VCF-style: chr13-32340416-C-T. GRCh37 (hg19) VCF-style: chr13-32914553-C-T.
Other names: short protein forms H2021Y.
Identifiers: ClinVar variation 582141 (VCV000582141.12), dbSNP rs1566233813, ClinGen allele CA387787929.

ClinVar aggregate classification (germline): Conflicting classifications of pathogenicity. Review status: criteria provided, conflicting classifications (1 of 4 stars). 3 submissions from 3 submitters: Uncertain significance (2); Likely benign (1). Last evaluated 2023-03-23.

Conditions:
Hereditary cancer-predisposing syndrome. Also called: Neoplastic Syndromes, Hereditary; Hereditary Cancer Syndrome; Tumor predisposition; Hereditary neoplastic syndrome. Identifiers: Orphanet 140162, MedGen C0027672, MeSH D009386, MONDO:0015356.
Hereditary breast ovarian cancer syndrome. Also called: Hereditary breast and ovarian cancer syndrome; Hereditary breast and/or ovarian cancer syndrome; Hereditary breast and ovarian cancer syndrome (HBOC); Breast and ovarian cancer; BRCA1- and BRCA2-Associated Hereditary Breast and Ovarian Cancer; Hereditary breast and ovarian cancer. Identifiers: Orphanet 145, MedGen C0677776, MeSH D061325, MONDO:0003582. Disease mechanism: loss of function.

Submissions (3):

University of Washington Department of Laboratory Medicine, University of Washington
Classification: Likely benign for Hereditary cancer-predisposing syndrome. Last evaluated: 2023-03-23. Review status: criteria provided, single submitter. Criteria: Dines et al. (Genet Med. 2020). Collection method: curation. Allele origin: germline.
Comment: Missense variant in a coldspot region where missense variants are very unlikely to be pathogenic (PMID:31911673).

BRCA2 exon 11 coldspot. Reclassification based on statistical prior probability.

Labcorp Genetics (formerly Invitae), Labcorp
Classification: Uncertain significance for Hereditary breast ovarian cancer syndrome. Last evaluated: 2018-06-23. Review status: criteria provided, single submitter. Criteria: Invitae Variant Classification Sherloc (09022015). Collection method: clinical testing. Allele origin: germline.
Comment: In summary, the available evidence is currently insufficient to determine the role of this variant in disease. Therefore, it has been classified as a Variant of Uncertain Significance. Algorithms developed to predict the effect of missense changes on protein structure and function output the following: SIFT: "Tolerated"; PolyPhen-2: "Benign"; Align-GVGD: "Class C0". The tyrosine amino acid residue is found in multiple mammalian species, suggesting that this missense change does not adversely affect protein function. These predictions have not been confirmed by published functional studies and their clinical significance is uncertain. This variant has not been reported in the literature in individuals with BRCA2-related disease. This variant is not present in population databases (ExAC no frequency). This sequence change replaces histidine with tyrosine at codon 2021 of the BRCA2 protein (p.His2021Tyr). The histidine residue is weakly conserved and there is a moderate physicochemical difference between histidine and tyrosine.

Ambry Genetics
Classification: Uncertain significance for Hereditary cancer-predisposing syndrome. Last evaluated: 2015-12-31. Review status: criteria provided, single submitter. Criteria: Ambry Variant Classification Scheme 2023. Collection method: clinical testing. Allele origin: germline.
Comment: The p.H2021Y variant (also known as c.6061C>T), located in coding exon 10 of the BRCA2 gene, results from a C to T substitution at nucleotide position 6061. The histidine at codon 2021 is replaced by tyrosine, an amino acid with similar properties. This variant was not reported in population based cohorts in the following databases: Database of Single Nucleotide Polymorphisms (dbSNP), NHLBI Exome Sequencing Project (ESP), and 1000 Genomes Project. In the ESP, this variant was not observed in 6502 samples (13004 alleles) with coverage at this position. To date, this alteration has been detected with an allele frequency of approximately 0.0004% (greater than 225000 alleles tested) in our clinical cohort. This amino acid position is poorly conserved in available vertebrate species. In addition, this alteration is predicted to be tolerated by in silico analysis. Since supporting evidence is limited at this time, the clinical significance of p.H2021Y remains unclear.